The following is an entry in ClinVar:

NM_001195263.2(PDZD7):c.2020T>C (p.Phe674Leu)

Gene: PDZD7 (PDZ domain containing 7; minus strand). Cytogenetic location: 10q24.31.
Variant type: single nucleotide variant.
Coding change: c.2020T>C on transcript NM_001195263.2 (MANE Select); coding-DNA position 2020, T replaced by C.
Protein change: p.Phe674Leu; replaces phenylalanine 674 with leucine.
Molecular consequence: missense variant.
Genome position (GRCh38, 1-based): chr10:101,010,869, A>G on the plus strand (T>C on the coding strand, the complement: PDZD7 is on the minus strand). VCF-style: chr10-101010869-A-G. GRCh37 (hg19) VCF-style: chr10-102770626-A-G.
Other names: short protein forms F674L.
Identifiers: ClinVar variation 1693080 (VCV001693080.2), dbSNP rs1467723397, ClinGen allele CA378225488.

ClinVar aggregate classification (germline): Uncertain significance (1 of 4 stars; one submission).

Allele frequency attached by ClinVar (database versions not stated): gnomAD exomes below 0.00001 and 0.00002; gnomAD 0.00001; TOPMed 0.00001.
gnomAD v4.1: 3 of 1,533,832 alleles (0.0002%); highest among the groups gnomAD compares: East Asian, 0.0073%; no homozygotes.

Submission:

GeneDx
Classification: Uncertain significance. Last evaluated: 2021-12-27. Review status: criteria provided, single submitter. Criteria: GeneDx Variant Classification Process June 2021. Collection method: clinical testing. Allele origin: germline. Affected: yes.
Comment: Has not been previously published as pathogenic or benign to our knowledge